The following is an entry in ClinVar:

NM_001605.3(AARS1):c.1997T>C (p.Val666Ala)

Gene: AARS1 (alanyl-tRNA synthetase 1; minus strand). Cytogenetic location: 16q22.1.
Variant type: single nucleotide variant.
Coding change: c.1997T>C on transcript NM_001605.3 (MANE Select); coding-DNA position 1997, T replaced by C.
Protein change: p.Val666Ala; replaces valine 666 with alanine.
Molecular consequence: missense variant.
Genome position (GRCh38, 1-based): chr16:70,258,213, A>G on the plus strand (T>C on the coding strand, the complement: AARS1 is on the minus strand). VCF-style: chr16-70258213-A-G. GRCh37 (hg19) VCF-style: chr16-70292116-A-G.
Other names: c.1997T>C (NM_001605.2); short protein forms V666A.
Identifiers: ClinVar variation 808067 (VCV000808067.50), dbSNP rs145056270, ClinGen allele CA8140589.
Genomic context (GRCh38, chr16:70,258,213, plus strand): 5'-AACACAGCCCGTAGGCCCTGGATGGCTTTCGCTGCTGCCAGGGGGCAATCCTGGGTATAG[A>G]CGGCCTGCCAGACCAAGAAGACAGAAAAGAGCTGGAAGAGATCCCTGGAGGTGCGGTACG-3'
Protein context (NP_001596.2, residues 656-676): ANEMIEAAKA[Val666Ala]YTQDCPLAAA

ClinVar aggregate classification (germline): Conflicting classifications of pathogenicity. Review status: criteria provided, conflicting classifications (1 of 4 stars). 4 submissions from 4 submitters: Pathogenic (1); Likely pathogenic (1); Uncertain significance (2). Last evaluated 2025-07-30.

Conditions:
Charcot-Marie-Tooth disease type 2. Also called: Charcot-Marie-Tooth type 2. Identifiers: Orphanet 64746, MedGen C0270914, MONDO:0018993.
Developmental and epileptic encephalopathy, 29 (DEE29). Also called: Epileptic encephalopathy, early infantile, 29. Identifiers: Orphanet 442835, MedGen C4225361, MONDO:0014593, OMIM 616339.

Allele frequency attached by ClinVar (database versions not stated): gnomAD exomes below 0.00001; gnomAD 0.00001 and 0.00002; TOPMed 0.00001; ExAC 0.00002; 1000 Genomes Project 30x 0.00016; 1000 Genomes Project 0.00020.
gnomAD v4.1: 4 of 1,589,084 alleles (0.00025%); highest among the groups gnomAD compares: African/African-American, 0.0027%; no homozygotes.

Submissions (4):

Labcorp Genetics (formerly Invitae), Labcorp
Classification: Uncertain significance for Charcot-Marie-Tooth disease type 2. Last evaluated: 2025-07-30. Review status: criteria provided, single submitter. Criteria: Invitae Variant Classification Sherloc (09022015). Collection method: clinical testing. Allele origin: germline.
Comment: This sequence change replaces valine, which is neutral and non-polar, with alanine, which is neutral and non-polar, at codon 666 of the AARS protein (p.Val666Ala). The frequency data for this variant in the population databases is considered unreliable, as metrics indicate poor data quality at this position in the gnomAD database. This missense change has been observed in individual(s) with AARS-related conditions (PMID: 34446925). In at least one individual the data is consistent with being in trans (on the opposite chromosome) from a pathogenic variant. ClinVar contains an entry for this variant (Variation ID: 808067). Invitae Evidence Modeling of protein sequence and biophysical properties (such as structural, functional, and spatial information, amino acid conservation, physicochemical variation, residue mobility, and thermodynamic stability) has been performed for this missense variant. However, the output from this modeling did not meet the statistical confidence thresholds required to predict the impact of this variant on AARS protein function. Experimental studies have shown that this missense change affects AARS function (PMID: 34446925). In summary, the available evidence is currently insufficient to determine the role of this variant in disease. Therefore, it has been classified as a Variant of Uncertain Significance.

GeneDx
Classification: Likely pathogenic. Last evaluated: 2023-08-23. Review status: criteria provided, single submitter. Criteria: GeneDx Variant Classification Process June 2021. Collection method: clinical testing. Allele origin: germline. Affected: yes.
Comment: In silico analysis supports that this missense variant has a deleterious effect on protein structure/function; Not observed at significant frequency in large population cohorts (gnomAD); This variant is associated with the following publications: (PMID: 25817015, 34446925)

Simons Lab, The University of Queensland
Classification: Pathogenic for Developmental and epileptic encephalopathy, 29. Last evaluated: 2021-06-05. Review status: criteria provided, single submitter. Criteria: ACMG Guidelines, 2015. Collection method: curation. Allele origin: paternal. Inheritance: Autosomal recessive inheritance. Affected: yes. Observed: 1 variant allele, 1 compound heterozygote.
Comment: The p.(Val666Ala) variant in trans with a multi-exonic deletion were found to cause decreased mRNA and protein level. Moreover, the p.(Val666Ala) expressed in a yeast model deleted at the AARS1 yeast orthologue, ALA1 demonstrated reduced ability to rescue yeast growth relative to wild-type protein, supporting pathogenicity of this missense variant.

CeGaT Center for Human Genetics Tuebingen
Classification: Uncertain significance. Last evaluated: 2018-09-01. Review status: criteria provided, single submitter. Criteria: CeGaT Center For Human Genetics Tuebingen Variant Classification Criteria Version 2. Collection method: clinical testing. Allele origin: germline. Affected: yes. Observed: 1 variant allele.

Literature cited by the submitters: PubMed 34446925 (cited by Labcorp Genetics (formerly Invitae), Labcorp).